The following is an entry in ClinVar:

NM_145059.3(FCSK):c.2509G>A (p.Gly837Ser)

Gene: FCSK (fucose kinase; plus strand). Cytogenetic location: 16q22.1.
Variant type: single nucleotide variant.
Coding change: c.2509G>A on transcript NM_145059.3 (MANE Select); coding-DNA position 2509, G replaced by A.
Protein change: p.Gly837Ser; replaces glycine 837 with serine.
Molecular consequence: missense variant.
Genome position (GRCh38, 1-based): chr16:70,475,481, G>A. VCF-style: chr16-70475481-G-A. GRCh37 (hg19) VCF-style: chr16-70509384-G-A.
Other names: c.2509G>A (NM_145059.2); short protein forms G837S.
Identifiers: ClinVar variation 1902915 (VCV001902915.6), dbSNP rs758549850, ClinGen allele CA8143609.

ClinVar aggregate classification (germline): Uncertain significance. Review status: criteria provided, multiple submitters, no conflicts (2 of 4 stars). 2 submissions from 2 submitters: Uncertain significance (2). Last evaluated 2024-03-01.

Allele frequency attached by ClinVar (database versions not stated): ExAC 0.00002; TOPMed 0.00007; gnomAD exomes 0.00011.
gnomAD v4.1: 180 of 1,602,974 alleles (0.011%); highest among the groups gnomAD compares: Non-Finnish European, 0.014%; no homozygotes.

Submissions (2):

Ambry Genetics
Classification: Uncertain significance. Last evaluated: 2024-03-01. Review status: criteria provided, single submitter. Criteria: Ambry Variant Classification Scheme 2023. Collection method: clinical testing. Allele origin: germline.

Labcorp Genetics (formerly Invitae), Labcorp
Classification: Uncertain significance. Last evaluated: 2022-09-25. Review status: criteria provided, single submitter. Criteria: Invitae Variant Classification Sherloc (09022015). Collection method: clinical testing. Allele origin: germline.
Comment: This sequence change replaces glycine, which is neutral and non-polar, with serine, which is neutral and polar, at codon 837 of the FUK protein (p.Gly837Ser). This variant is present in population databases (rs758549850, gnomAD 0.01%). This variant has not been reported in the literature in individuals affected with FUK-related conditions. Algorithms developed to predict the effect of missense changes on protein structure and function are either unavailable or do not agree on the potential impact of this missense change (SIFT: "Deleterious"; PolyPhen-2: "Probably Damaging"; Align-GVGD: "Class C0"). In summary, the available evidence is currently insufficient to determine the role of this variant in disease. Therefore, it has been classified as a Variant of Uncertain Significance.